The following is an entry in ClinVar:

NM_014423.4(AFF4):c.2650A>G (p.Ser884Gly)

Gene: AFF4 (ALF transcription elongation factor 4; minus strand). Cytogenetic location: 5q31.1.
Variant type: single nucleotide variant.
Coding change: c.2650A>G on transcript NM_014423.4 (MANE Select); coding-DNA position 2650, A replaced by G.
Protein change: p.Ser884Gly; replaces serine 884 with glycine.
Molecular consequence: missense variant.
Genome position (GRCh38, 1-based): chr5:132,889,161, T>C on the plus strand (A>G on the coding strand, the complement: AFF4 is on the minus strand). VCF-style: chr5-132889161-T-C. GRCh37 (hg19) VCF-style: chr5-132224853-T-C.
Other names: short protein forms S884G.
Identifiers: ClinVar variation 4996745 (VCV004996745.1).
Genomic context (GRCh38, chr5:132,889,161, plus strand): 5'-TTCTCCGAGGCTTAGAAGAATCAAGAGTTGGTGCAGATGGAGGACAGTTAGAGGAGCTAC[T>C]TGGAGCCTTTTCCTGACCAAAAAAATATATAACTACAATGAAAACCGTAAGGAGATTAAA-3'
Protein context (NP_055238.1, residues 874-894): SSKEVKEKAP[Ser884Gly]SSSNCPPSAP

ClinVar aggregate classification (germline): Uncertain significance (1 of 4 stars; one submission).

Conditions:
AFF4-related disorder. Also called: AFF4-related condition.

Submission:

PreventionGenetics, part of Exact Sciences
Classification: Uncertain significance for AFF4-related condition. Last evaluated: 2025-01-19. Review status: criteria provided, single submitter. Criteria: ACMG Guidelines, 2015. Collection method: clinical testing. Allele origin: germline.
Comment: The AFF4 c.2650A>G variant is predicted to result in the amino acid substitution p.Ser884Gly. To our knowledge, this variant has not been reported in the literature or in a large population database (gnomAD), indicating this variant is rare. At this time, the clinical significance of this variant is uncertain due to the absence of conclusive functional and genetic evidence.